The following is an entry in ClinVar:

NM_020911.2(PLXNA4):c.2055C>T (p.Pro685=)

Gene: PLXNA4 (plexin A4; minus strand). Cytogenetic location: 7q32.3.
Variant type: single nucleotide variant.
Coding change: c.2055C>T on transcript NM_020911.2 (MANE Select); coding-DNA position 2055, C replaced by T.
Protein change: p.Pro685=; no amino-acid change (proline 685 retained).
Molecular consequence: synonymous variant.
Genome position (GRCh38, 1-based): chr7:132,223,569, G>A on the plus strand (C>T on the coding strand, the complement: PLXNA4 is on the minus strand). VCF-style: chr7-132223569-G-A. GRCh37 (hg19) VCF-style: chr7-131908328-G-A.
Other names: c.2055C>T, p.Pro685= (NM_001393897.1).
Identifiers: ClinVar variation 3354442 (VCV003354442.1).

ClinVar aggregate classification (germline): Likely benign (0 of 4 stars; one submission).

Conditions:
PLXNA4-related disorder. Also called: PLXNA4-related condition.

gnomAD v4.1: 6 of 1,613,690 alleles (0.00037%); highest among the groups gnomAD compares: Admixed American, 0.0083%; no homozygotes.

Submission:

PreventionGenetics, part of Exact Sciences
Classification: Likely benign for PLXNA4-related condition. Last evaluated: 2022-11-11. Review status: no assertion criteria provided. Collection method: clinical testing. Allele origin: germline.
Comment: This variant is classified as likely benign based on ACMG/AMP sequence variant interpretation guidelines (Richards et al. 2015 PMID: 25741868, with internal and published modifications).